The following is an entry in ClinVar:

NM_032383.5(HPS3):c.2887+6A>G

Genes: CP (ceruloplasmin; minus strand), HPS3 (HPS3 biogenesis of lysosomal organelles complex 2 subunit 1; plus strand). Cytogenetic location: 3q24.
Variant type: single nucleotide variant.
Coding change: c.2887+6A>G on transcript NM_032383.5 (MANE Select); 6 bases into the intron after coding-DNA position 2887, A replaced by G.
Molecular consequence: intron variant.
Genome position (GRCh38, 1-based): chr3:149,167,989, A>G. VCF-style: chr3-149167989-A-G. GRCh37 (hg19) VCF-style: chr3-148885776-A-G.
Other names: c.2392+6A>G (NM_001308258.2).
Identifiers: ClinVar variation 2151001 (VCV002151001.1), dbSNP rs1441622426, ClinGen allele CA546940158.

ClinVar aggregate classification (germline): Uncertain significance (1 of 4 stars; one submission).

Allele frequency attached by ClinVar (database versions not stated): gnomAD exomes below 0.00001; gnomAD 0.00001; TOPMed 0.00001.
gnomAD v4.1: 5 of 1,459,972 alleles (0.00034%); highest among the groups gnomAD compares: East Asian, 0.012%; no homozygotes.

Submission:

Labcorp Genetics (formerly Invitae), Labcorp
Classification: Uncertain significance. Last evaluated: 2022-06-23. Review status: criteria provided, single submitter. Criteria: Invitae Variant Classification Sherloc (09022015). Collection method: clinical testing. Allele origin: germline.
Comment: This sequence change falls in intron 16 of the HPS3 gene. It does not directly change the encoded amino acid sequence of the HPS3 protein. It affects a nucleotide within the consensus splice site. This variant is present in population databases (no rsID available, gnomAD 0.006%). This variant has not been reported in the literature in individuals affected with HPS3-related conditions. Variants that disrupt the consensus splice site are a relatively common cause of aberrant splicing (PMID: 17576681, 9536098). Algorithms developed to predict the effect of sequence changes on RNA splicing suggest that this variant is not likely to affect RNA splicing. In summary, the available evidence is currently insufficient to determine the role of this variant in disease. Therefore, it has been classified as a Variant of Uncertain Significance.

Literature cited by the submitters: PubMed 17576681; PubMed 9536098.